The following is an entry in ClinVar:

ClinVar aggregate classification (germline): Likely benign. Review status: criteria provided, multiple submitters, no conflicts (2 of 4 stars). 2 submissions from 2 submitters: Likely benign (2). Last evaluated 2023-03-16.

Conditions:
Hypertrophic cardiomyopathy. Also called: HYPERTROPHIC MYOCARDIOPATHY. Identifiers: Orphanet 217569, MedGen C0007194, MeSH D002312, MONDO:0005045, HP:0001639.

Allele frequency attached by ClinVar (database versions not stated): TOPMed below 0.00001; ExAC 0.00001; gnomAD 0.00001; gnomAD exomes 0.00001.
gnomAD v4.1: 16 of 1,613,704 alleles (0.00099%); highest among the groups gnomAD compares: African/African-American, 0.0013%; no homozygotes.

Submissions (2):

Labcorp Genetics (formerly Invitae), Labcorp
Classification: Likely benign for Hypertrophic cardiomyopathy. Last evaluated: 2023-03-16. Review status: criteria provided, single submitter. Criteria: Invitae Variant Classification Sherloc (09022015). Collection method: clinical testing. Allele origin: germline.

Laboratory for Molecular Medicine, Mass General Brigham Personalized Medicine
Classification: Likely benign. Last evaluated: 2013-04-11. Review status: criteria provided, single submitter. Criteria: LMM Criteria. Collection method: clinical testing. Allele origin: germline. Observed: 1 variant allele.
Comment: 1888+13T>G in intron 16 of MYH7: This variant is not expected to have clinical s ignificance because it is not located within the splice consensus sequence. 188 8+13T>G in intron 16 of MYH7 (allele frequency = n/a)

NM_000257.4(MYH7):c.1888+13T>G

Gene: MYH7 (myosin heavy chain 7; minus strand). Cytogenetic location: 14q11.2.
Variant type: single nucleotide variant.
Coding change: c.1888+13T>G on transcript NM_000257.4 (MANE Select); 13 bases into the intron after coding-DNA position 1888, T replaced by G.
Molecular consequence: intron variant.
Genome position (GRCh38, 1-based): chr14:23,427,572, A>C on the plus strand (T>G on the coding strand, the complement: MYH7 is on the minus strand). VCF-style: chr14-23427572-A-C. GRCh37 (hg19) VCF-style: chr14-23896781-A-C.
Identifiers: ClinVar variation 178890 (VCV000178890.7), dbSNP rs727504516, ClinGen allele CA011388.
Genomic context (GRCh38, chr14:23,427,572, plus strand): 5'-TAGCAATTGACCTGGCTCAGAACCTTGGCAGAATCCCTGCTCCTCTGTACCGGGAGCCTC[A>C]GTCCCTACTTACGCGCATCAGCCCCAGCATAGTTGGCAAACAGGGTGCTGAGCAGCTTGA-3'